The following is an entry in ClinVar:

ClinVar aggregate classification (germline): Likely pathogenic (1 of 4 stars; one submission).

Conditions:
SMC3-related disorder. Also called: SMC3-related condition.

Submission:

PreventionGenetics, part of Exact Sciences
Classification: Likely pathogenic for SMC3-related condition. Last evaluated: 2023-09-27. Review status: criteria provided, single submitter. Criteria: ACMG Guidelines, 2015. Collection method: clinical testing. Allele origin: germline.
Comment: The SMC3 c.1718T>C variant is predicted to result in the amino acid substitution p.Leu573Ser. To our knowledge, this variant has not been reported in the literature or in a large population database, indicating this variant is rare. De novo variants in SMC3 gene have been reported in individuals with Cornelia de Lange syndrome (Deardorff et al. 2007. PubMed ID: 17273969; Ansari et al. 2014. PubMed ID: 25125236; Gil-Rodríguez et al. 2015. PubMed ID: 25655089). This variant is interpreted as likely pathogenic.

NM_005445.4(SMC3):c.1718T>C (p.Leu573Ser)

Gene: SMC3 (structural maintenance of chromosomes 3; plus strand). Cytogenetic location: 10q25.2.
Variant type: single nucleotide variant.
Coding change: c.1718T>C on transcript NM_005445.4 (MANE Select); coding-DNA position 1718, T replaced by C.
Protein change: p.Leu573Ser; replaces leucine 573 with serine.
Molecular consequence: missense variant.
Genome position (GRCh38, 1-based): chr10:110,591,038, T>C. VCF-style: chr10-110591038-T-C. GRCh37 (hg19) VCF-style: chr10-112350796-T-C.
Other names: short protein forms L573S.
Identifiers: ClinVar variation 2632998 (VCV002632998.1), dbSNP rs2493128583, ClinGen allele CA378389639.